The following is an entry in ClinVar:

ClinVar aggregate classification (germline): Uncertain significance. Review status: criteria provided, multiple submitters, no conflicts (2 of 4 stars). 2 submissions from 2 submitters: Uncertain significance (2). Last evaluated 2021-12-12.

Conditions:
Hereditary cancer-predisposing syndrome. Also called: Neoplastic Syndromes, Hereditary; Tumor predisposition; Hereditary Cancer Syndrome; Hereditary neoplastic syndrome. Identifiers: Orphanet 140162, MedGen C0027672, MeSH D009386, MONDO:0015356.

Submissions (2):

Ambry Genetics
Classification: Uncertain significance for Hereditary cancer-predisposing syndrome. Last evaluated: 2021-12-12. Review status: criteria provided, single submitter. Criteria: Ambry Variant Classification Scheme 2023. Collection method: clinical testing. Allele origin: germline.
Comment: The p.A80V variant (also known as c.239C>T), located in coding exon 3 of the RAD50 gene, results from a C to T substitution at nucleotide position 239. The alanine at codon 80 is replaced by valine, an amino acid with similar properties. This amino acid position is conserved. In addition, the in silico prediction for this alteration is inconclusive. Since supporting evidence is limited at this time, the clinical significance of this alteration remains unclear.

Labcorp Genetics (formerly Invitae), Labcorp
Classification: Uncertain significance for Hereditary cancer-predisposing syndrome. Last evaluated: 2017-10-15. Review status: criteria provided, single submitter. Criteria: Invitae Variant Classification Sherloc (09022015). Collection method: clinical testing. Allele origin: germline.
Comment: This variant is not present in population databases (ExAC no frequency). This sequence change replaces alanine with valine at codon 80 of the RAD50 protein (p.Ala80Val). The alanine residue is highly conserved and there is a small physicochemical difference between alanine and valine. This variant has not been reported in the literature in individuals with RAD50-related disease. In summary, the available evidence is currently insufficient to determine the role of this variant in disease. Therefore, it has been classified as a Variant of Uncertain Significance. Algorithms developed to predict the effect of missense changes on protein structure and function (SIFT, PolyPhen-2, Align-GVGD) all suggest that this variant is likely to be disruptive, but these predictions have not been confirmed by published functional studies and their clinical significance is uncertain.

NM_005732.4(RAD50):c.239C>T (p.Ala80Val)

Gene: RAD50 (RAD50 double strand break repair protein; plus strand). Cytogenetic location: 5q31.1.
Variant type: single nucleotide variant.
Coding change: c.239C>T on transcript NM_005732.4 (MANE Select); coding-DNA position 239, C replaced by T.
Protein change: p.Ala80Val; replaces alanine 80 with valine.
Molecular consequence: missense variant.
Genome position (GRCh38, 1-based): chr5:132,575,802, C>T. VCF-style: chr5-132575802-C-T. GRCh37 (hg19) VCF-style: chr5-131911494-C-T.
Other names: short protein forms A80V.
Identifiers: ClinVar variation 527349 (VCV000527349.11), dbSNP rs1554097570, ClinGen allele CA360930346.